The following is an entry in ClinVar:

NM_007186.6(CEP250):c.3256C>T (p.Arg1086Cys)

Gene: CEP250 (centrosomal protein 250; plus strand). Cytogenetic location: 20q11.22.
Variant type: single nucleotide variant.
Coding change: c.3256C>T on transcript NM_007186.6 (MANE Select); coding-DNA position 3256, C replaced by T.
Protein change: p.Arg1086Cys; replaces arginine 1086 with cysteine.
Molecular consequence: missense variant.
Genome position (GRCh38, 1-based): chr20:35,496,665, C>T. VCF-style: chr20-35496665-C-T. GRCh37 (hg19) VCF-style: chr20-34084494-C-T.
Other names: c.1360C>T, p.Arg454Cys (NM_001318219.1); c.3256C>T (NM_007186.3); short protein forms R454C, R1086C.
Identifiers: ClinVar variation 960273 (VCV000960273.8), dbSNP rs143143244, ClinGen allele CA9833429.

ClinVar aggregate classification (germline): Uncertain significance. Review status: criteria provided, multiple submitters, no conflicts (2 of 4 stars). 2 submissions from 2 submitters: Uncertain significance (2). Last evaluated 2024-03-07.

Allele frequency attached by ClinVar (database versions not stated): ExAC 0.00007; gnomAD exomes 0.00008; TOPMed 0.00010; 1000 Genomes Project 30x 0.00016; 1000 Genomes Project 0.00020; ESP Exome Variant Server 0.00023.
gnomAD v4.1: 74 of 1,614,052 alleles (0.0046%); highest among the groups gnomAD compares: East Asian, 0.047%; 1 homozygote.

Submissions (2):

Ambry Genetics
Classification: Uncertain significance. Last evaluated: 2024-03-07. Review status: criteria provided, single submitter. Criteria: Ambry Variant Classification Scheme 2023. Collection method: clinical testing. Allele origin: germline.

Labcorp Genetics (formerly Invitae), Labcorp
Classification: Uncertain significance. Last evaluated: 2022-09-27. Review status: criteria provided, single submitter. Criteria: Invitae Variant Classification Sherloc (09022015). Collection method: clinical testing. Allele origin: germline.
Comment: This sequence change replaces arginine, which is basic and polar, with cysteine, which is neutral and slightly polar, at codon 1086 of the CEP250 protein (p.Arg1086Cys). This variant is present in population databases (rs143143244, gnomAD 0.05%). This variant has not been reported in the literature in individuals affected with CEP250-related conditions. ClinVar contains an entry for this variant (Variation ID: 960273). Algorithms developed to predict the effect of missense changes on protein structure and function are either unavailable or do not agree on the potential impact of this missense change (SIFT: "Not Available"; PolyPhen-2: "Possibly Damaging"; Align-GVGD: "Not Available"). In summary, the available evidence is currently insufficient to determine the role of this variant in disease. Therefore, it has been classified as a Variant of Uncertain Significance.